The following is an entry in ClinVar:

ClinVar aggregate classification (germline): Uncertain significance. Review status: criteria provided, multiple submitters, no conflicts (2 of 4 stars). 4 submissions from 4 submitters: Uncertain significance (4). Last evaluated 2022-05-10.

Conditions:
Epidermolysis bullosa, junctional 7, with interstitial lung disease and nephrotic syndrome. Also called: Interstitial Lung Disease with Nephrotic Syndrome and Epidermolysis Bullosa; Interstitial lung disease, nephrotic syndrome, and epidermolysis bullosa, congenital. Identifiers: Orphanet 306504, MedGen C4518785, MONDO:0013881, OMIM 614748.

Allele frequency attached by ClinVar (database versions not stated): gnomAD 0.00005 and 0.00004; ExAC 0.00033; TOPMed 0.00006; gnomAD exomes 0.00014 and 0.00026; 1000 Genomes Project 30x 0.00016; 1000 Genomes Project 0.00020.
gnomAD v4.1: 208 of 1,613,900 alleles (0.013%); highest among the groups gnomAD compares: South Asian, 0.15%; no homozygotes.

Submissions (4):

Fulgent Genetics
Classification: Uncertain significance for Epidermolysis bullosa, junctional 7, with interstitial lung disease and nephrotic syndrome. Last evaluated: 2022-05-10. Review status: criteria provided, single submitter. Criteria: ACMG Guidelines, 2015. Collection method: clinical testing. Allele origin: unknown.

Labcorp Genetics (formerly Invitae), Labcorp
Classification: Uncertain significance. Last evaluated: 2022-01-17. Review status: criteria provided, single submitter. Criteria: Invitae Variant Classification Sherloc (09022015). Collection method: clinical testing. Allele origin: germline.
Comment: In summary, the available evidence is currently insufficient to determine the role of this variant in disease. Therefore, it has been classified as a Variant of Uncertain Significance. Algorithms developed to predict the effect of missense changes on protein structure and function (SIFT, PolyPhen-2, Align-GVGD) all suggest that this variant is likely to be tolerated. ClinVar contains an entry for this variant (Variation ID: 598269). This variant has not been reported in the literature in individuals affected with ITGA3-related conditions. This variant is present in population databases (rs201830820, gnomAD 0.2%). This sequence change replaces glycine, which is neutral and non-polar, with serine, which is neutral and polar, at codon 203 of the ITGA3 protein (p.Gly203Ser).

Eurofins Ntd Llc (ga)
Classification: Uncertain significance. Last evaluated: 2018-08-14. Review status: criteria provided, single submitter. Criteria: EGL ClinVar v180209 classification definitions. Collection method: clinical testing. Allele origin: germline. Observed: 1 variant allele, 1 heterozygote.

Breakthrough Genomics
Classification: Uncertain significance. Review status: criteria provided, single submitter. Criteria: ACMG Guidelines, 2015. Collection method: not provided. Allele origin: germline. Inheritance: Autosomal recessive inheritance. Affected: yes.

NM_002204.4(ITGA3):c.607G>A (p.Gly203Ser)

Gene: ITGA3 (integrin subunit alpha 3; plus strand). Cytogenetic location: 17q21.33.
Variant type: single nucleotide variant.
Coding change: c.607G>A on transcript NM_002204.4 (MANE Select); coding-DNA position 607, G replaced by A.
Protein change: p.Gly203Ser; replaces glycine 203 with serine.
Molecular consequence: missense variant.
Genome position (GRCh38, 1-based): chr17:50,068,248, G>A. VCF-style: chr17-50068248-G-A. GRCh37 (hg19) VCF-style: chr17-48145612-G-A.
Other names: short protein forms G203S.
Identifiers: ClinVar variation 598269 (VCV000598269.9), dbSNP rs201830820, ClinGen allele CA8641287.
Genomic context (GRCh38, chr17:50,068,248, plus strand): 5'-GAGATGTGCAATAGCAACACAGACTACCTGGAGACGGGCATGTGCCAGCTGGGCACCAGC[G>A]GTGGCTTCACCCAGAACACTGTGTACTTCGGCGCCCCCGGTGCCTACAACTGGAAAGGTG-3'
Protein context (NP_002195.1, residues 193-213): ETGMCQLGTS[Gly203Ser]GFTQNTVYFG